The following is an entry in ClinVar:

ClinVar aggregate classification (germline): Uncertain significance (1 of 4 stars; one submission).

Conditions:
Cowden syndrome 3 (CWS3). Identifiers: Orphanet 201, MedGen CN166604, MONDO:0014045.
Carney-Stratakis syndrome. Also called: PARAGANGLIOMA AND GASTROINTESTINAL STROMAL TUMOR. Identifiers: Orphanet 97286, MedGen C1847319, MONDO:0011740, OMIM 606864.
Paragangliomas with sensorineural hearing loss. Identifiers: MedGen C1868633.
Pheochromocytoma. Also called: MAX-Related Hereditary Paraganglioma-Pheochromocytoma Syndrome. Identifiers: Orphanet 29072, MedGen C0031511, MONDO:0008233, OMIM 171300, HP:0002666.

Submission:

Labcorp Genetics (formerly Invitae), Labcorp
Classification: Uncertain significance for Carney-Stratakis syndrome; Paragangliomas with sensorineural hearing loss; Pheochromocytoma; Cowden syndrome 3. Last evaluated: 2024-01-25. Review status: criteria provided, single submitter. Criteria: Invitae Variant Classification Sherloc (09022015). Collection method: clinical testing. Allele origin: germline.
Comment: This sequence change replaces proline, which is neutral and non-polar, with histidine, which is basic and polar, at codon 87 of the SDHD protein (p.Pro87His). This variant is not present in population databases (gnomAD no frequency). This variant has not been reported in the literature in individuals affected with SDHD-related conditions. Advanced modeling of protein sequence and biophysical properties (such as structural, functional, and spatial information, amino acid conservation, physicochemical variation, residue mobility, and thermodynamic stability) has been performed at Invitae for this missense variant, however the output from this modeling did not meet the statistical confidence thresholds required to predict the impact of this variant on SDHD protein function. In summary, the available evidence is currently insufficient to determine the role of this variant in disease. Therefore, it has been classified as a Variant of Uncertain Significance.

NM_003002.4(SDHD):c.260C>A (p.Pro87His)

Gene: SDHD (succinate dehydrogenase complex subunit D; plus strand). Cytogenetic location: 11q23.1.
Variant type: single nucleotide variant.
Coding change: c.260C>A on transcript NM_003002.4 (MANE Select); coding-DNA position 260, C replaced by A.
Protein change: p.Pro87His; replaces proline 87 with histidine.
Molecular consequence: missense variant. On other transcripts: non-coding transcript variant (1), intron variant (1).
Genome position (GRCh38, 1-based): chr11:112,088,957, C>A. VCF-style: chr11-112088957-C-A. GRCh37 (hg19) VCF-style: chr11-111959681-C-A.
Other names: c.143C>A, p.Pro48His (NM_001276504.2); c.260C>A, p.Pro87His (NM_001276506.2); c.169+984C>A (NM_001276503.2); short protein forms P48H, P87H.
Identifiers: ClinVar variation 2922443 (VCV002922443.3), dbSNP rs2135269548, ClinGen allele CA382617330.
Genomic context (GRCh38, chr11:112,088,957, plus strand): 5'-CTAGCGAGAGGGTTGTCAGTGTTTTGCTCCTGGGTCTGCTTCCGGCTGCTTATTTGAATC[C>A]TTGCTCTGCGATGGACTATTCCCTGGCTGCAGCCCTCACTCTTCATGGTCACTGGCAAGT-3'
Protein context (NP_002993.1, residues 77-97): LGLLPAAYLN[Pro87His]CSAMDYSLAA